The following is an entry in ClinVar:

NM_000277.3(PAH):c.586_608del (p.Ser196fs)

Gene: PAH (phenylalanine hydroxylase; minus strand). Cytogenetic location: 12q23.2.
Variant type: Deletion.
Coding change: c.586_608del on transcript NM_000277.3 (MANE Select); coding-DNA positions 586 to 608, 23 bases deleted (TCCTTGTATAAAACCCATGCTTG).
Protein change: p.Ser196fs; shifts the reading frame from serine 196.
Molecular consequence: frameshift variant.
Genome position (GRCh38, 1-based): chr12:102,855,234-102,855,256, CAAGCATGGGTTTTATACAAGGA deleted on the plus strand (TCCTTGTATAAAACCCATGCTTG on the coding strand, the reverse complement: PAH is on the minus strand); deleting any 23 consecutive bases within chr12:102,855,234-102,855,257 gives the same sequence; the c. name uses the placement nearest the transcript's 3' end. VCF-style (leftmost placement, unchanged base first): chr12-102855233-GCAAGCATGGGTTTTATACAAGGA-G. GRCh37 (hg19) VCF-style: chr12-103249011-GCAAGCATGGGTTTTATACAAGGA-G.
Other names: c.586_608del, p.Ser196fs (NM_001354304.2); short protein forms S196fs.
Identifiers: ClinVar variation 102743 (VCV000102743.2), dbSNP rs62895363, ClinGen allele CA229634.

ClinVar aggregate classification (germline): Pathogenic. Review status: reviewed by expert panel (3 of 4 stars). 2 submissions from 2 submitters: Pathogenic (1). 1 of the submissions does not count toward it. Last evaluated 2020-07-24.

Conditions:
Phenylketonuria (PKU). Also called: Phenylketonuria (PKU); FOLLING DISEASE; OLIGOPHRENIA PHENYLPYRUVICA; Phenylketonurias. Identifiers: Orphanet 716, MedGen C0031485, MONDO:0009861, OMIM 261600. Disease mechanism: loss of function.

Submissions (2):

ClinGen PAH Variant Curation Expert Panel
Classification: Pathogenic for Phenylketonuria. Last evaluated: 2020-07-24. Review status: reviewed by expert panel. Criteria: ClinGen PAH ACMG Specifications v1. Collection method: curation. Allele origin: germline. Inheritance: Autosomal recessive inheritance.
Comment: The c.586_608del (p.Ser196fs) frameshift variant in PAH is predicted to undergo nonsense-mediated decay. A defect in the synthesis or regeneration in the pathways of 6R-BH4 was ruled out by analyzing urinary pterin levels and by measuring the dihydropteridine reductase activity (PMID 27121329). This variant is absent from gnomAD. In summary, this variant meets criteria to be classified as pathogenic for PAH. PAH-specific ACMG/AMP criteria applied: PVS1, PM2, PM3, and PP4 moderate.

DeBelle Laboratory for Biochemical Genetics, MUHC/MCH RESEARCH INSTITUTE
No classification provided. Review status: no classification provided. Collection method: not provided. Allele origin: not provided. Not counted in ClinVar's aggregate classification.

Literature cited by the submitters: PubMed 27121329 (cited by ClinGen PAH Variant Curation Expert Panel).